The following is an entry in ClinVar:

NM_025216.3(WNT10A):c.697G>A (p.Glu233Lys)

Gene: WNT10A (Wnt family member 10A; plus strand). Cytogenetic location: 2q35.
Variant type: single nucleotide variant.
Coding change: c.697G>A on transcript NM_025216.3 (MANE Select); coding-DNA position 697, G replaced by A.
Protein change: p.Glu233Lys; replaces glutamic acid 233 with lysine.
Molecular consequence: missense variant.
Genome position (GRCh38, 1-based): chr2:218,890,304, G>A. VCF-style: chr2-218890304-G-A. GRCh37 (hg19) VCF-style: chr2-219755026-G-A.
Other names: short protein forms E233K.
Identifiers: ClinVar variation 896390 (VCV000896390.8), dbSNP rs121908118, ClinGen allele CA2114004.

ClinVar aggregate classification (germline): Conflicting classifications of pathogenicity. Review status: criteria provided, conflicting classifications (1 of 4 stars). 4 submissions from 2 submitters: Uncertain significance (3); Benign (1). Last evaluated 2021-09-17.

Conditions:
Tooth agenesis, selective, 4 (STHAG4). Also called: LATERAL INCISORS, ABSENCE OF; LATERAL INCISORS, PEGGED OR MISSING; TOOTH AGENESIS, SELECTIVE, 4, WITH OR WITHOUT ECTODERMAL DYSPLASIA; SUCCEDANEOUS TEETH, AGENESIS OF. Identifiers: Orphanet 99798, MedGen C1835492, MONDO:0007881, OMIM 150400. Disease mechanism: loss of function.
Odonto-onycho-dermal dysplasia. Identifiers: Orphanet 2721, MedGen C0796093, MONDO:0009773, OMIM 257980.
Schöpf-Schulz-Passarge syndrome. Also called: ECCRINE TUMORS WITH ECTODERMAL DYSPLASIA; KERATOSIS PALMOPLANTARIS WITH CYSTIC EYELIDS, HYPODONTIA, AND HYPOTRICHOSIS; SchC6pf-Schulz-Passarge syndrome. Identifiers: Orphanet 50944, MedGen C1857069, MONDO:0009145, OMIM 224750.

Allele frequency attached by ClinVar (database versions not stated): gnomAD 0.00001 and 0.00002; gnomAD exomes 0.00002 and 0.00007; TOPMed 0.00002; ExAC 0.00004.
gnomAD v4.1: 39 of 1,604,426 alleles (0.0024%); highest among the groups gnomAD compares: South Asian, 0.027%; no homozygotes.

Submissions (4):

Labcorp Genetics (formerly Invitae), Labcorp
Classification: Uncertain significance for Tooth agenesis, selective, 4; Odonto-onycho-dermal dysplasia. Last evaluated: 2021-09-17. Review status: criteria provided, single submitter. Criteria: Invitae Variant Classification Sherloc (09022015). Collection method: clinical testing. Allele origin: germline.
Comment: This sequence change replaces glutamic acid with lysine at codon 233 of the WNT10A protein (p.Glu233Lys). The glutamic acid residue is highly conserved and there is a small physicochemical difference between glutamic acid and lysine. This variant is present in population databases (rs121908118, ExAC 0.03%). This variant has been observed in individual(s) with tooth agenesis or hypodontia (Invitae). It has also been observed to segregate with disease in related individuals. ClinVar contains an entry for this variant (Variation ID: 896390). Algorithms developed to predict the effect of missense changes on protein structure and function are either unavailable or do not agree on the potential impact of this missense change (SIFT: "Deleterious"; PolyPhen-2: "Possibly Damaging"; Align-GVGD: "Class C0"). In summary, the available evidence is currently insufficient to determine the role of this variant in disease. Therefore, it has been classified as a Variant of Uncertain Significance.

Illumina Laboratory Services, Illumina
Classification: Uncertain significance for Odonto-onycho-dermal dysplasia. Last evaluated: 2017-04-28. Review status: criteria provided, single submitter. Criteria: ICSL Variant Classification Criteria 13 December 2019. Collection method: clinical testing. Allele origin: germline.

Illumina Laboratory Services, Illumina
Classification: Benign for Tooth agenesis, selective, 4. Last evaluated: 2017-04-28. Review status: criteria provided, single submitter. Criteria: ICSL Variant Classification Criteria 13 December 2019. Collection method: clinical testing. Allele origin: germline.
Comment: This variant was observed as part of a predisposition screen in an ostensibly healthy population. A literature search was performed for the gene, cDNA change, and amino acid change (where applicable). No publications were found based on this search. Allele frequency data from public databases was too high to be consistent with this variant causing disease. Therefore, this variant is classified as benign.

Illumina Laboratory Services, Illumina
Classification: Uncertain significance for Schöpf-Schulz-Passarge syndrome. Last evaluated: 2017-04-28. Review status: criteria provided, single submitter. Criteria: ICSL Variant Classification Criteria 13 December 2019. Collection method: clinical testing. Allele origin: germline.